The following is an entry in ClinVar:

ClinVar aggregate classification (germline): Uncertain significance (1 of 4 stars; one submission).

gnomAD v4.1: 4 of 1,612,810 alleles (0.00025%); highest among the groups gnomAD compares: South Asian, 0.0011%; no homozygotes.

Submission:

Women's Health and Genetics/Laboratory Corporation of America, LabCorp
Classification: Uncertain significance. Last evaluated: 2025-10-28. Review status: criteria provided, single submitter. Criteria: LabCorp Variant Classification Summary - May 2015. Collection method: clinical testing. Allele origin: germline.
Comment: Variant summary: SLC26A4 c.334C>G (p.Pro112Ala) results in a non-conservative amino acid change in the encoded protein sequence. Algorithms developed to predict the effect of missense changes on protein structure and function all suggest that this variant is likely to be disruptive. The variant allele was found at a frequency of 4e-06 in 251420 control chromosomes (gnomAD). The available data on variant occurrences in the general population are insufficient to allow any conclusion about variant significance. To our knowledge, no occurrence of c.334C>G in individuals affected with SLC26A4-related conditions and no experimental evidence demonstrating its impact on protein function have been reported. A different missense affecting the same amino acid (p.Pro112Ser) is reported in affected individuals (HGMD) and been classified as pathogenic by our lab and others (ClinVar), suggesting a functional importance for the affected residue. No submitters have cited clinical-significance assessments for this variant to ClinVar. Based on the evidence outlined above, the variant was classified as uncertain significance.

NM_000441.2(SLC26A4):c.334C>G (p.Pro112Ala)

Gene: SLC26A4 (solute carrier family 26 member 4; plus strand). Cytogenetic location: 7q22.3.
Variant type: single nucleotide variant.
Coding change: c.334C>G on transcript NM_000441.2 (MANE Select); coding-DNA position 334, C replaced by G.
Protein change: p.Pro112Ala; replaces proline 112 with alanine.
Molecular consequence: missense variant.
Genome position (GRCh38, 1-based): chr7:107,672,167, C>G. VCF-style: chr7-107672167-C-G. GRCh37 (hg19) VCF-style: chr7-107312612-C-G.
Other names: short protein forms P112A.
Identifiers: ClinVar variation 4687696 (VCV004687696.1).